The following is an entry in ClinVar:

NM_002069.6(GNAI1):c.875-2A>G

Gene: GNAI1 (G protein subunit alpha i1; plus strand). Cytogenetic location: 7q21.11.
Variant type: single nucleotide variant.
Coding change: c.875-2A>G on transcript NM_002069.6 (MANE Select); the canonical splice acceptor site of the intron before coding-DNA position 875, A replaced by G.
Molecular consequence: splice acceptor variant.
Genome position (GRCh38, 1-based): chr7:80,217,301, A>G. VCF-style: chr7-80217301-A-G. GRCh37 (hg19) VCF-style: chr7-79846617-A-G.
Other names: c.719-2A>G (NM_001256414.2).
Identifiers: ClinVar variation 2637490 (VCV002637490.1), dbSNP rs2484470192, ClinGen allele CA368010965.

ClinVar aggregate classification (germline): Uncertain significance (1 of 4 stars; one submission).

Submission:

Women's Health and Genetics/Laboratory Corporation of America, LabCorp
Classification: Uncertain significance. Last evaluated: 2023-10-26. Review status: criteria provided, single submitter. Criteria: LabCorp Variant Classification Summary - May 2015. Collection method: clinical testing. Allele origin: germline.
Comment: Variant summary: GNAI1 c.875-2A>G is located at a canonical splice-site of the last intron and is predicted to affect mRNA splicing resulting in a significantly altered protein due to either exon skipping, shortening, or inclusion of intronic material. Several computational tools predict a significant impact on normal splicing: Four predict the variant abolishes the canonical 3' splicing acceptor site. However, these predictions have yet to be confirmed by functional studies. Predominantly de-novo variants in this gene have been reported among individuals affected with features of complex neurodevelopmental disorders. Furthermore, the molecular mechanism of disease attributed to variant(s) in the GNAI1 gene remains unknown. The variant was absent in 207568 control chromosomes. The available data on variant occurrences in the general population are insufficient to allow any conclusion about variant significance. To our knowledge, no occurrence of c.875-2A>G in individuals affected with Neurodevelopmental Disorder With Hypotonia, Impaired Speech, And Behavioral Abnormalities and no experimental evidence demonstrating its impact on protein function have been reported. Other de-novo variants downstream of this location in the last coding exon 8 have been reported in association with features of neurodevelopmental disorder(s), suggesting the functional relevance of this domain to protein function (HGMD, OMIM). No submitters have cited clinical-significance assessments for this variant to ClinVar after 2014. Based on the evidence outlined above, the variant was classified as VUS-possibly pathogenic.